The following is an entry in ClinVar:

ClinVar aggregate classification (germline): Uncertain significance (1 of 4 stars; one submission).

Allele frequency attached by ClinVar (database versions not stated): gnomAD exomes below 0.00001; TOPMed below 0.00001.
gnomAD v4.1: 5 of 1,610,922 alleles (0.00031%); highest among the groups gnomAD compares: Non-Finnish European, 0.00042%; no homozygotes.

Submission:

Labcorp Genetics (formerly Invitae), Labcorp
Classification: Uncertain significance. Last evaluated: 2025-04-22. Review status: criteria provided, single submitter. Criteria: Invitae Variant Classification Sherloc (09022015). Collection method: clinical testing. Allele origin: germline.
Comment: This sequence change replaces serine, which is neutral and polar, with asparagine, which is neutral and polar, at codon 737 of the TNNI3K protein (p.Ser737Asn). This variant is not present in population databases (gnomAD no frequency). This variant has not been reported in the literature in individuals affected with TNNI3K-related conditions. ClinVar contains an entry for this variant (Variation ID: 3007524). An algorithm developed to predict the effect of missense changes on protein structure and function (PolyPhen-2) suggests that this variant is likely to be tolerated. In summary, the available evidence is currently insufficient to determine the role of this variant in disease. Therefore, it has been classified as a Variant of Uncertain Significance.

NM_015978.3(TNNI3K):c.2210G>A (p.Ser737Asn)

Genes: FPGT-TNNI3K (FPGT-TNNI3K readthrough; plus strand), LRRC53 (leucine rich repeat containing 53; minus strand), TNNI3K (TNNI3 interacting kinase; plus strand). Cytogenetic location: 1p31.1.
Variant type: single nucleotide variant.
Coding change: c.2210G>A on transcript NM_015978.3 (MANE Select); coding-DNA position 2210, G replaced by A.
Protein change: p.Ser737Asn; replaces serine 737 with asparagine.
Molecular consequence: missense variant. On other transcripts: intron variant (2).
Genome position (GRCh38, 1-based): chr1:74,492,125, G>A. VCF-style: chr1-74492125-G-A. GRCh37 (hg19) VCF-style: chr1-74957809-G-A.
Other names: c.2513G>A, p.Ser838Asn (NM_001112808.3); c.-8-11157C>T (NM_001364666.2); c.-26-8750C>T (NM_001382280.1); short protein forms S838N, S737N.
Identifiers: ClinVar variation 3007524 (VCV003007524.3), dbSNP rs1669109783, ClinGen allele CA340799146.
Genomic context (GRCh38, chr1:74,492,125, plus strand): 5'-TAAACAATTGAAATTGCCCCTCCTCCACTCAGCTGATGTCTCCTGCATCAAGTAACAGCA[G>A]TGGGTCTCTCTCACCTTCTTCTTCTTCTGATTGCCTGGTGAACCGGGGAGGACCTGGCCG-3'
Protein context (NP_057062.1, residues 727-747): ELMSPASSNS[Ser737Asn]GSLSPSSSSD